The following is an entry in ClinVar:

NM_205836.3(FBXO38):c.1513A>G (p.Asn505Asp)

Gene: FBXO38 (F-box protein 38; plus strand). Cytogenetic location: 5q32.
Variant type: single nucleotide variant.
Coding change: c.1513A>G on transcript NM_205836.3 (MANE Select); coding-DNA position 1513, A replaced by G.
Protein change: p.Asn505Asp; replaces asparagine 505 with aspartic acid.
Molecular consequence: missense variant.
Genome position (GRCh38, 1-based): chr5:148,417,099, A>G. VCF-style: chr5-148417099-A-G. GRCh37 (hg19) VCF-style: chr5-147796662-A-G.
Other names: c.1513A>G, p.Asn505Asp (NM_001271723.2, NM_030793.5); short protein forms N505D.
Identifiers: ClinVar variation 1435538 (VCV001435538.8), dbSNP rs1753101306, ClinGen allele CA361659995.

ClinVar aggregate classification (germline): Uncertain significance (1 of 4 stars; one submission).

Conditions:
Distal hereditary motor neuropathy type 2. Identifiers: Orphanet 139525, MedGen C3711384, MeSH C580044, MONDO:0015352.

Allele frequency attached by ClinVar (database versions not stated): TOPMed 0.00002.

Submission:

Labcorp Genetics (formerly Invitae), Labcorp
Classification: Uncertain significance for Distal hereditary motor neuropathy type 2. Last evaluated: 2021-03-29. Review status: criteria provided, single submitter. Criteria: Invitae Variant Classification Sherloc (09022015). Collection method: clinical testing. Allele origin: germline.
Comment: In summary, the available evidence is currently insufficient to determine the role of this variant in disease. Therefore, it has been classified as a Variant of Uncertain Significance. Algorithms developed to predict the effect of missense changes on protein structure and function are either unavailable or do not agree on the potential impact of this missense change (SIFT: "Deleterious"; PolyPhen-2: "Probably Damaging"; Align-GVGD: "Class C0"). This variant has not been reported in the literature in individuals with FBXO38-related conditions. This variant is not present in population databases (ExAC no frequency). This sequence change replaces asparagine with aspartic acid at codon 505 of the FBXO38 protein (p.Asn505Asp). The asparagine residue is moderately conserved and there is a small physicochemical difference between asparagine and aspartic acid.